The following is an entry in ClinVar:

ClinVar aggregate classification (germline): Pathogenic (3 of 4 stars; one submission).

Conditions:
Monogenic diabetes. Identifiers: Orphanet 183625, MedGen C3888631, MONDO:0015967.

Submission:

ClinGen Monogenic Diabetes Variant Curation Expert Panel
Classification: Pathogenic for Monogenic diabetes. Last evaluated: 2024-04-05. Review status: reviewed by expert panel. Criteria: ClinGen Diabetes ACMG Specifications HNF4A V2.0.0. Collection method: curation. Allele origin: germline. Inheritance: Autosomal dominant inheritance.
Comment: The c.421del variant in the hepatocyte nuclear factor 4-alpha gene, HNF4A, causes a frameshift in the protein at codon 141 of NM_175914.5, adding 29 novel amino acids before encountering a stop codon (p.(Arg141AspfsTer29)). This variant, located in biologically-relevant exon 4 of 10, is predicted to lead to nonsense mediated decay in a gene in which loss-of-function is an established disease mechanism (PVS1; PMID: 23348805). This variant is absent in gnomAD v2.1.1 (PM2_Supporting), and was identified in an individual with a clinical history suggestive of HNF4A-MODY (neonatal hyperinsulinemic hypoglycemia that is responsive to diazoxide and negative genetic testing for ABCC8 and KCNJ11)(PP4; PMID: 23796040). This variant segregated with diabetes, with three informative meioses in a single family with MODY (PP1; internal lab contributor). In summary, c.421del meets the criteria to be classified as pathogenic for monogenic diabetes. ACMG/AMP criteria applied, as specified by the ClinGen MDEP (specification version 2.0.0, approved 10/11/23): PVS1, PP1, PP4, PM2_Supporting.

NM_175914.5(HNF4A):c.421del (p.Arg141fs)

Gene: HNF4A (hepatocyte nuclear factor 4 alpha; plus strand). Cytogenetic location: 20q13.12.
Variant type: Deletion.
Coding change: c.421del on transcript NM_175914.5 (MANE Select); coding-DNA position 421, one base deleted (C; older notation c.421delC).
Protein change: p.Arg141fs; shifts the reading frame from arginine 141.
Molecular consequence: frameshift variant.
Genome position (GRCh38, 1-based): chr20:44,413,795, C deleted; the last of 3 consecutive C bases (chr20:44,413,793-44,413,795); deleting any one gives the same sequence. VCF-style (leftmost placement, unchanged base first): chr20-44413792-TC-T. GRCh37 (hg19) VCF-style: chr20-43042432-TC-T.
Other names: NM_175914.5:c.421del; c.487del, p.Arg163fs (NM_000457.6, NM_178849.3, NM_178850.3); c.421del, p.Arg141fs (NM_001030003.3, NM_001030004.3); c.466del, p.Arg156fs (NM_001258355.2); c.412del, p.Arg138fs (NM_001287182.2, NM_001287183.2, NM_001287184.2); short protein forms R138fs, R141fs, R156fs, R163fs.
Identifiers: ClinVar variation 3068532 (VCV003068532.1), dbSNP rs2515675708, ClinGen allele CA2573106197.